The following is an entry in ClinVar:

NM_177438.3(DICER1):c.4050+1G>T

Gene: DICER1 (dicer 1, ribonuclease III; minus strand). Cytogenetic location: 14q32.13.
Variant type: single nucleotide variant.
Coding change: c.4050+1G>T on transcript NM_177438.3 (MANE Select); the canonical splice donor site of the intron after coding-DNA position 4050, G replaced by T.
Molecular consequence: splice donor variant.
Genome position (GRCh38, 1-based): chr14:95,103,345, C>A on the plus strand (G>T on the coding strand, the complement: DICER1 is on the minus strand). VCF-style: chr14-95103345-C-A. GRCh37 (hg19) VCF-style: chr14-95569682-C-A.
Other names: c.4050+1G>T (NM_001291628.2, NM_030621.4, NM_001395677.1 and 13 more transcripts); c.3645+1G>T (NM_001395690.1, NM_001395687.1, NM_001395689.1 and 2 more transcripts); c.3768+1G>T (NM_001395686.1); c.3483+1G>T (NM_001395691.1); c.2367+1G>T (NM_001395697.1).
Identifiers: ClinVar variation 1073555 (VCV001073555.11), dbSNP rs875989783, ClinGen allele CA390872867.

ClinVar aggregate classification (germline): Pathogenic/Likely pathogenic. Review status: criteria provided, multiple submitters, no conflicts (2 of 4 stars). 2 submissions from 2 submitters: Pathogenic (1); Likely pathogenic (1). Last evaluated 2026-02-20.

Conditions:
DICER1-related tumor predisposition. Also called: DICER1-related pleuropulmonary blastoma cancer predisposition syndrome; DICER1 syndrome. Identifiers: Orphanet 284343, MedGen C3839822, MONDO:0100216.
Hereditary cancer-predisposing syndrome. Also called: Hereditary Cancer Syndrome; Neoplastic Syndromes, Hereditary; Tumor predisposition; Hereditary neoplastic syndrome. Identifiers: Orphanet 140162, MedGen C0027672, MeSH D009386, MONDO:0015356.

Submissions (2):

Ambry Genetics
Classification: Likely pathogenic for Hereditary cancer-predisposing syndrome. Last evaluated: 2026-02-20. Review status: criteria provided, single submitter. Criteria: Ambry Variant Classification Scheme 2023. Collection method: clinical testing. Allele origin: germline.
Comment: The c.4050+1G>T intronic variant results from a G to T substitution one nucleotide after coding exon 20 of the DICER1 gene. This variant is considered to be rare based on population cohorts in the Genome Aggregation Database (gnomAD). This nucleotide position is highly conserved in available vertebrate species. In silico splice site analysis predicts that this alteration will weaken the native splice donor site. Variants that disrupt the canonical splice site are expected to cause aberrant splicing, resulting in an abnormal protein or a transcript that is subject to nonsense-mediated mRNA decay. As such, this variant is classified as likely pathogenic.

Labcorp Genetics (formerly Invitae), Labcorp
Classification: Pathogenic for DICER1-related tumor predisposition. Last evaluated: 2020-08-06. Review status: criteria provided, single submitter. Criteria: Invitae Variant Classification Sherloc (09022015). Collection method: clinical testing. Allele origin: germline.
Comment: Disruption of this splice site has been observed in individual(s) with DICER1 syndrome (PMID: 25022261, 21882293). For these reasons, this variant has been classified as Pathogenic. Donor and acceptor splice site variants typically lead to a loss of protein function (PMID: 16199547), and loss-of-function variants in DICER1 are known to be pathogenic (PMID: 19556464, 21266384). This variant is not present in population databases (ExAC no frequency). This sequence change affects a donor splice site in intron 21 of the DICER1 gene. It is expected to disrupt RNA splicing and likely results in an absent or disrupted protein product.

Literature cited by the submitters: PubMed 25022261 (cited by Labcorp Genetics (formerly Invitae), Labcorp); PubMed 21882293 (cited by Labcorp Genetics (formerly Invitae), Labcorp); PubMed 16199547 (cited by Labcorp Genetics (formerly Invitae), Labcorp); PubMed 19556464 (cited by Labcorp Genetics (formerly Invitae), Labcorp); PubMed 21266384 (cited by Labcorp Genetics (formerly Invitae), Labcorp).